The following is an entry in ClinVar:

ClinVar aggregate classification (germline): Likely benign (1 of 4 stars; one submission).

Conditions:
SLC12A5-related disorder. Also called: SLC12A5-related condition.

Submission:

PreventionGenetics, part of Exact Sciences
Classification: Likely benign for SLC12A5-related condition. Last evaluated: 2026-08-02. Review status: criteria provided, single submitter. Criteria: ACMG Guidelines, 2015. Collection method: clinical testing. Allele origin: germline.
Comment: This variant is classified as likely benign based on ACMG/AMP sequence variant interpretation guidelines (Richards et al. 2015 PMID: 25741868, with internal and published modifications).

NM_020708.5(SLC12A5):c.1950C>G (p.Leu650=)

Gene: SLC12A5 (solute carrier family 12 member 5; plus strand). Cytogenetic location: 20q13.12.
Variant type: single nucleotide variant.
Coding change: c.1950C>G on transcript NM_020708.5 (MANE Select); coding-DNA position 1950, C replaced by G.
Protein change: p.Leu650=; no amino-acid change (leucine 650 retained).
Molecular consequence: synonymous variant.
Genome position (GRCh38, 1-based): chr20:46,048,023, C>G. VCF-style: chr20-46048023-C-G. GRCh37 (hg19) VCF-style: chr20-44676662-C-G.
Other names: c.2019C>G, p.Leu673= (NM_001134771.2).
Identifiers: ClinVar variation 4995905 (VCV004995905.1).
Genomic context (GRCh38, chr20:46,048,023, plus strand): 5'-CCACTTCCCGGCTCCCAGGGCAGAGAAGGAGTGGGGCGATGGGATACGAGGTCTGTCTCT[C>G]AGTGCGGCTCGCTATGCCCTCTTACGCCTGGAGGAAGGGCCCCCACACACCAAGAACTGG-3'
Protein context (NP_065759.1, residues 640-660): EWGDGIRGLS[Leu650=]SAARYALLRL